The following is an entry in ClinVar:

NM_018706.7(DHTKD1):c.2717A>G (p.His906Arg)

Gene: DHTKD1 (dehydrogenase E1 and transketolase domain containing 1; plus strand). Cytogenetic location: 10p14.
Variant type: single nucleotide variant.
Coding change: c.2717A>G on transcript NM_018706.7 (MANE Select); coding-DNA position 2717, A replaced by G.
Protein change: p.His906Arg; replaces histidine 906 with arginine.
Molecular consequence: missense variant.
Genome position (GRCh38, 1-based): chr10:12,120,845, A>G. VCF-style: chr10-12120845-A-G. GRCh37 (hg19) VCF-style: chr10-12162844-A-G.
Other names: short protein forms H906R.
Identifiers: ClinVar variation 2984191 (VCV002984191.3), dbSNP rs2491529067, ClinGen allele CA376017845.

ClinVar aggregate classification (germline): Uncertain significance (1 of 4 stars; one submission).

Conditions:
2-aminoadipic 2-oxoadipic aciduria (AAKAD). Also called: Aminoadipic aciduria; ALPHA-AMINOADIPIC AND ALPHA-KETOADIPIC ACIDURIA. Identifiers: Orphanet 79154, MedGen C1859817, MONDO:0008774, OMIM 204750.

Allele frequency attached by ClinVar (database versions not stated): gnomAD exomes below 0.00001.
gnomAD v4.1: 5 of 1,614,080 alleles (0.00031%); highest among the groups gnomAD compares: Non-Finnish European, 0.00034%; no homozygotes.

Submission:

Labcorp Genetics (formerly Invitae), Labcorp
Classification: Uncertain significance for 2-aminoadipic 2-oxoadipic aciduria. Last evaluated: 2025-03-15. Review status: criteria provided, single submitter. Criteria: Invitae Variant Classification Sherloc (09022015). Collection method: clinical testing. Allele origin: germline.
Comment: This sequence change replaces histidine, which is basic and polar, with arginine, which is basic and polar, at codon 906 of the DHTKD1 protein (p.His906Arg). This variant is not present in population databases (gnomAD no frequency). This variant has not been reported in the literature in individuals affected with DHTKD1-related conditions. ClinVar contains an entry for this variant (Variation ID: 2984191). Invitae Evidence Modeling of protein sequence and biophysical properties (such as structural, functional, and spatial information, amino acid conservation, physicochemical variation, residue mobility, and thermodynamic stability) indicates that this missense variant is expected to disrupt DHTKD1 protein function with a positive predictive value of 80%. In summary, the available evidence is currently insufficient to determine the role of this variant in disease. Therefore, it has been classified as a Variant of Uncertain Significance.